The following is an entry in ClinVar:

NM_000168.6(GLI3):c.836dup (p.Ser280fs)

Gene: GLI3 (GLI family zinc finger 3; minus strand). Cytogenetic location: 7p14.1.
Variant type: Duplication.
Coding change: c.836dup on transcript NM_000168.6 (MANE Select); coding-DNA position 836, one base duplicated (T; older notation c.836dupT).
Protein change: p.Ser280fs; shifts the reading frame from serine 280.
Molecular consequence: frameshift variant.
Genome position (GRCh38, 1-based): chr7:42,040,230, A duplicated on the plus strand (T on the coding strand, the reverse complement: GLI3 is on the minus strand); the first of 2 consecutive A bases (chr7:42,040,230-42,040,231); duplicating either gives the same sequence. VCF-style (leftmost placement, unchanged base first): chr7-42040229-G-GA. GRCh37 (hg19) VCF-style: chr7-42079828-G-GA.
Other names: short protein forms S280fs.
Identifiers: ClinVar variation 2038410 (VCV002038410.4), dbSNP rs2484693664, ClinGen allele CA2580077118.

ClinVar aggregate classification (germline): Pathogenic (1 of 4 stars; one submission).

Conditions:
Pallister-Hall syndrome (PHS). Also called: HYPOTHALAMIC HAMARTOBLASTOMA, HYPOPITUITARISM, IMPERFORATE ANUS, AND POSTAXIAL POLYDACTYLY; GLI3-Related Pallister-Hall Syndrome. Identifiers: Orphanet 672, MedGen C0265220, MONDO:0007804, OMIM 146510.
Greig cephalopolysyndactyly syndrome (GCPS). Also called: POLYSYNDACTYLY WITH PECULIAR SKULL SHAPE; Greig syndrome; GLI3-Related Greig Cephalopolysyndactyly Syndrome. Identifiers: Orphanet 380, MedGen C0265306, MONDO:0008287, OMIM 175700.

Submission:

Labcorp Genetics (formerly Invitae), Labcorp
Classification: Pathogenic for Pallister-Hall syndrome; Greig cephalopolysyndactyly syndrome. Last evaluated: 2021-12-08. Review status: criteria provided, single submitter. Criteria: Invitae Variant Classification Sherloc (09022015). Collection method: clinical testing. Allele origin: germline.
Comment: For these reasons, this variant has been classified as Pathogenic. This variant has not been reported in the literature in individuals affected with GLI3-related conditions. This variant is not present in population databases (gnomAD no frequency). This sequence change creates a premature translational stop signal (p.Ser280Leufs*24) in the GLI3 gene. It is expected to result in an absent or disrupted protein product. Loss-of-function variants in GLI3 are known to be pathogenic (PMID: 10441570, 15739154, 18000979, 24736735).

Literature cited by the submitters: PubMed 10441570; PubMed 15739154; PubMed 18000979; PubMed 24736735.